The following is an entry in ClinVar:

NM_000051.4(ATM):c.2839-3_2839delinsGATACTA

Gene: ATM (ATM serine/threonine kinase; plus strand). Cytogenetic location: 11q22.3.
Variant type: Indel.
Coding change: c.2839-3_2839delinsGATACTA on transcript NM_000051.4 (MANE Select); 3 bases into the intron before coding-DNA position 2839 through coding-DNA position 2839, TAGT replaced by GATACTA.
Molecular consequence: splice acceptor variant.
Genome position (GRCh38, 1-based): chr11:108,271,061-108,271,064, TAGT replaced by GATACTA. VCF-style: chr11-108271061-TAGT-GATACTA. GRCh37 (hg19) VCF-style: chr11-108141788-TAGT-GATACTA.
Other names: c.2839-3_2839delinsGATACTA (NM_001351834.2).
Identifiers: ClinVar variation 185405 (VCV000185405.29), dbSNP rs786202148, ClinGen allele CA191853.

ClinVar aggregate classification (germline): Pathogenic/Likely pathogenic. Review status: criteria provided, multiple submitters, no conflicts (2 of 4 stars). 13 submissions from 12 submitters: Pathogenic (8); Likely pathogenic (4). 1 of the submissions does not count toward it. Last evaluated 2026-05-01.

Conditions:
ATM-related cancer predisposition. Also called: ATM-related cancer susceptibility. Identifiers: MedGen CN377759, MONDO:0700270.
Hereditary cancer-predisposing syndrome. Also called: Tumor predisposition; Neoplastic Syndromes, Hereditary; Hereditary Cancer Syndrome; Hereditary neoplastic syndrome. Identifiers: Orphanet 140162, MedGen C0027672, MeSH D009386, MONDO:0015356.
Ataxia-telangiectasia syndrome (AT). Also called: LOUIS-BAR SYNDROME; Ataxia-telangiectasia, complementation group D; Ataxia telangiectasia (A-T); AT, COMPLEMENTATION GROUP C; ATAXIA-TELANGIECTASIA, COMPLEMENTATION GROUP A; ATAXIA-TELANGIECTASIA, FRESNO VARIANT. Identifiers: Orphanet 100, MedGen C0004135, MONDO:0008840, OMIM 208900.
Familial cancer of breast. Also called: hereditary breast carcinoma; BREAST CANCER, FAMILIAL; Hereditary breast cancer. Identifiers: Orphanet 227535, MedGen C0346153, MONDO:0016419, OMIM 114480. Disease mechanism: loss of function.

Submissions (13):

CeGaT Center for Human Genetics Tuebingen
Classification: Pathogenic. Last evaluated: 2026-05-01. Review status: criteria provided, single submitter. Criteria: CeGaT Center For Human Genetics Tuebingen Variant Classification Criteria Version 2. Collection method: clinical testing. Allele origin: germline. Affected: yes. Observed: 1 variant allele.
Comment: ATM: PVS1, PM2, PM3:Supporting

Labcorp Genetics (formerly Invitae), Labcorp
Classification: Pathogenic for Ataxia-telangiectasia syndrome. Last evaluated: 2026-01-17. Review status: criteria provided, single submitter. Criteria: Invitae Variant Classification Sherloc (09022015). Collection method: clinical testing. Allele origin: germline.
Comment: This sequence change affects an acceptor splice site in intron 18 of the ATM gene. RNA analysis indicates that this variant induces altered splicing and may result in an absent or altered protein product. The frequency data for this variant in the population databases is considered unreliable, as metrics indicate poor data quality at this position in the gnomAD database. This variant has been observed in individuals with ataxia-telangiectasia (PMID: 12815592; internal data). This variant is also known as IVS20-3del3ins7. ClinVar contains an entry for this variant (Variation ID: 1076780). Studies have shown that this variant results in activation of a cryptic splice site, and produces a non-functional protein and/or introduces a premature termination codon (internal data). For these reasons, this variant has been classified as Pathogenic.

Women's Health and Genetics/Laboratory Corporation of America, LabCorp
Classification: Likely pathogenic for Ataxia-telangiectasia syndrome. Last evaluated: 2025-10-13. Review status: criteria provided, single submitter. Criteria: LabCorp Variant Classification Summary - May 2015. Collection method: clinical testing. Allele origin: germline.
Comment: Variant summary: ATM c.2839-3_2839delinsGATACTA, also reported as IVS20-3del3ins7, is located in a canonical splice-site and is predicted to affect mRNA splicing resulting in a significantly altered protein due to either exon skipping, shortening, or inclusion of intronic material. Variants that disrupt the consensus splice site are a relatively common cause of aberrant splicing and loss of ATM function. Several computational tools predict a significant impact on normal splicing: Four predict the variant abolishes a 3' acceptor site. Two predict the variant strengthens a cryptic 3' acceptor site. Internal RNA splicing evidence suggests that this variant affects mRNA splicing, resulting in an in-frame loss of 6 amino acids (Labcorp Genetics (formerly Invitae)) which is predicted to encompass a known likely pathogenic/pathogenic missense variant p.Leu950Arg. The variant was absent in 251342 control chromosomes. c.2839-3_2839delinsGATACTA has been observed in at least 2 individual(s) affected with clinical features of Ataxia-telangiectasia syndrome, however only 1 had a known biallelic genotype (Labcorp Genetics (formerly Invitae), Mitui_2003). The following publications have been ascertained in the context of this evaluation (PMID: 32782288, 28152038, 12815592). ClinVar contains an entry for this variant (Variation ID: 185405). Based on the evidence outlined above, the variant was classified as likely pathogenic.

3billion
Classification: Pathogenic for Familial cancer of breast. Last evaluated: 2024-06-28. Review status: criteria provided, single submitter. Criteria: ACMG Guidelines, 2015. Collection method: clinical testing. Allele origin: germline. Affected: yes.
Comment: The variant is observed at an extremely low frequency in the gnomAD v4.0.0 dataset (total allele frequency: <0.001%). Predicted Consequence/Location: Canonical splice site: predicted to alter splicing and result in a loss or disruption of normal protein function. Multiple pathogenic loss-of-function variants are reported downstream of the variant. In silico tools predict the variant to alter splicing and produce an abnormal transcript [SpliceAI: 0.89 (spliceogenicity >=0.2, non-spliceogenicity <0.1)]. The variant has been reported to be associated with ATM-related disorder (ClinVar ID: ﻿﻿VCV000185405.22). Therefore, this variant is classified as Pathogenic according to the recommendation of ACMG/AMP guideline.

Fulgent Genetics
Classification: Pathogenic for Familial cancer of breast; Ataxia-telangiectasia syndrome. Last evaluated: 2024-03-29. Review status: criteria provided, single submitter. Criteria: ACMG Guidelines, 2015. Collection method: clinical testing. Allele origin: germline.

Baylor Genetics
Classification: Pathogenic for Familial cancer of breast. Last evaluated: 2024-03-26. Review status: criteria provided, single submitter. Criteria: ACMG Guidelines, 2015. Collection method: clinical testing. Allele origin: unknown.

Myriad Genetics, Inc.
Classification: Likely pathogenic for Familial cancer of breast. Last evaluated: 2024-01-18. Review status: criteria provided, single submitter. Criteria: Myriad Autosomal Dominant, Autosomal Recessive and X-Linked Classification Criteria (2023). Collection method: clinical testing. Allele origin: unknown.
Comment: This variant is considered likely pathogenic. This variant occurs within a consensus splice junction and is predicted to result in abnormal mRNA splicing of either an out-of-frame exon or an in-frame exon necessary for protein stability and/or normal function.

Department of Pathology and Laboratory Medicine, Sinai Health System
Classification: Pathogenic for ATM-related cancer predisposition. Last evaluated: 2023-08-26. Review status: criteria provided, single submitter. Criteria: ACMG Guidelines, 2015. Collection method: clinical testing. Allele origin: germline. Affected: no.

GeneDx
Classification: Pathogenic. Last evaluated: 2022-10-28. Review status: criteria provided, single submitter. Criteria: GeneDx Variant Classification Process June 2021. Collection method: clinical testing. Allele origin: germline. Affected: yes.
Comment: Variant disrupting a canonical splice site in a gene for which loss-of-function is a known mechanism of disease; Observed in an individual with ataxia telangiectasia, but the presence of a second pathogenic variant is unclear (Mitui et al., 2003); Observed in an individual with early-onset renal cancer and thyroid cancer (Hartman et al., 2020); Not observed at significant frequency in large population cohorts (gnomAD); Also known as IVS20-3del4ins7; This variant is associated with the following publications: (PMID: 28152038, 12815592, 32782288)

Johns Hopkins Genomics, Johns Hopkins University
Classification: Pathogenic for Ataxia-telangiectasia syndrome. Last evaluated: 2021-04-07. Review status: criteria provided, single submitter. Criteria: ACMG Guidelines, 2015. Collection method: clinical testing. Allele origin: germline.

Color Diagnostics, LLC DBA Color Health
Classification: Likely pathogenic for Hereditary cancer-predisposing syndrome. Last evaluated: 2020-07-06. Review status: criteria provided, single submitter. Criteria: ACMG Guidelines, 2015. Collection method: clinical testing. Allele origin: germline.
Comment: This variant impacts the canonical acceptor site at intron 18 of the ATM gene. Splice site prediction tools predict that this variant may have a significant impact on RNA splicing. Splicing has been reported as aberrant for this variant (PMID: 12815592). This variant has been reported in an individual affected with Ataxia-Telangiectasia (PMID: 12815592). This variant has not been identified in the general population by the Genome Aggregation Database (gnomAD). Loss of ATM function is a known mechanism of disease. Based on the available evidence, this variant is classified as Likely Pathogenic.

Ambry Genetics
Classification: Likely pathogenic for Hereditary cancer-predisposing syndrome. Last evaluated: 2017-05-25. Review status: criteria provided, single submitter. Criteria: Ambry Autosomal Dominant and X-Linked criteria (3/2017). Collection method: clinical testing. Allele origin: germline. Observed: 1 variant allele.
Comment: Lines of evidence used in support of classification: Well-characterized mutation at same position,Alterations at the canonical donor/acceptor sites (+/- 1, 2) without other strong (b-level) evidence supporting pathogenicity

Ambry Genetics
Classification: Likely pathogenic for Hereditary cancer-predisposing syndrome. Last evaluated: 2017-03-23. Review status: flagged submission. Criteria: Ambry Autosomal Dominant and X-Linked criteria (3/2017). Collection method: clinical testing. Allele origin: germline. Observed: 1 variant allele. Not counted in ClinVar's aggregate classification.
Comment: Lines of evidence used in support of classification: Alterations at the canonical donor/acceptor sites (+/- 1, 2) without other strong (b-level) evidence supporting pathogenicity
ClinVar note: Reason: This record appears to be redundant with a more recent record from the same submitter.
ClinVar note: Notes: SCV000215500 appears to be redundant with SCV000672712.

Literature cited by the submitters: PubMed 12815592 (cited by 3 submitters); PubMed 28152038 (cited by Women's Health and Genetics/Laboratory Corporation of America, LabCorp); PubMed 32782288 (cited by Women's Health and Genetics/Laboratory Corporation of America, LabCorp).